The following is an entry in ClinVar:

NM_004369.4(COL6A3):c.7589T>C (p.Val2530Ala)

Gene: COL6A3 (collagen type VI alpha 3 chain; minus strand). Cytogenetic location: 2q37.3.
Variant type: single nucleotide variant.
Coding change: c.7589T>C on transcript NM_004369.4 (MANE Select); coding-DNA position 7589, T replaced by C.
Protein change: p.Val2530Ala; replaces valine 2530 with alanine.
Molecular consequence: missense variant.
Genome position (GRCh38, 1-based): chr2:237,344,429, A>G on the plus strand (T>C on the coding strand, the complement: COL6A3 is on the minus strand). VCF-style: chr2-237344429-A-G. GRCh37 (hg19) VCF-style: chr2-238253072-A-G.
Other names: c.5768T>C, p.Val1923Ala (NM_057166.5); c.6971T>C, p.Val2324Ala (NM_057167.4); short protein forms V2324A, V2530A, V1923A.
Identifiers: ClinVar variation 2846478 (VCV002846478.3), dbSNP rs540777771, ClinGen allele CA2187772.

ClinVar aggregate classification (germline): Uncertain significance (1 of 4 stars; one submission).

Conditions:
Bethlem myopathy 1A. Also called: Bethlem myopathy 1; MYOPATHY, BENIGN CONGENITAL, WITH CONTRACTURES; Bethlem Muscular Dystrophy. Identifiers: Orphanet 610, MedGen CN029274, MONDO:0024530, OMIM 158810.

Allele frequency attached by ClinVar (database versions not stated): gnomAD exomes below 0.00001; gnomAD 0.00001; ExAC 0.00002; 1000 Genomes Project 30x 0.00016; 1000 Genomes Project 0.00020.
gnomAD v4.1: 3 of 1,614,208 alleles (0.00019%); highest among the groups gnomAD compares: East Asian, 0.0067%; no homozygotes.

Submission:

Labcorp Genetics (formerly Invitae), Labcorp
Classification: Uncertain significance for Bethlem myopathy 1A. Last evaluated: 2025-04-07. Review status: criteria provided, single submitter. Criteria: Invitae Variant Classification Sherloc (09022015). Collection method: clinical testing. Allele origin: germline.
Comment: This sequence change replaces valine, which is neutral and non-polar, with alanine, which is neutral and non-polar, at codon 2530 of the COL6A3 protein (p.Val2530Ala). This variant is present in population databases (rs540777771, gnomAD 0.006%). This variant has not been reported in the literature in individuals affected with COL6A3-related conditions. ClinVar contains an entry for this variant (Variation ID: 2846478). Invitae Evidence Modeling of protein sequence and biophysical properties (such as structural, functional, and spatial information, amino acid conservation, physicochemical variation, residue mobility, and thermodynamic stability) indicates that this missense variant is not expected to disrupt COL6A3 protein function with a negative predictive value of 80%. In summary, the available evidence is currently insufficient to determine the role of this variant in disease. Therefore, it has been classified as a Variant of Uncertain Significance.